The following is an entry in ClinVar:

NM_005993.5(TBCD):c.1514del (p.Asn505fs)

Gene: TBCD (tubulin folding cofactor D). Cytogenetic location: 17q25.3.
Variant type: Deletion.
Coding change: c.1514del on transcript NM_005993.5 (MANE Select); coding-DNA position 1514, one base deleted.
Protein change: p.Asn505fs; shifts the reading frame from asparagine 505.
Molecular consequence: frameshift variant.
Genome position: GRCh38 VCF-style: chr17-82884180-TA-T. GRCh37 (hg19) VCF-style: chr17-80842056-TA-T.
Other names: c.1463del, p.Asn488fs (NM_001411101.1); c.1514del, p.Asn505fs (NM_001411102.1); short protein forms N488fs, N505fs.
Identifiers: ClinVar variation 2854645 (VCV002854645.3), dbSNP rs2510088557, ClinGen allele CA2640712669.

ClinVar aggregate classification (germline): Pathogenic (1 of 4 stars; one submission).

Submission:

Labcorp Genetics (formerly Invitae), Labcorp
Classification: Pathogenic. Last evaluated: 2023-04-10. Review status: criteria provided, single submitter. Criteria: Invitae Variant Classification Sherloc (09022015). Collection method: clinical testing. Allele origin: germline.
Comment: For these reasons, this variant has been classified as Pathogenic. This variant has not been reported in the literature in individuals affected with TBCD-related conditions. This variant is not present in population databases (gnomAD no frequency). This sequence change creates a premature translational stop signal (p.Asn505Thrfs*27) in the TBCD gene. It is expected to result in an absent or disrupted protein product. Loss-of-function variants in TBCD are known to be pathogenic (PMID: 27666370, 27666374).

Literature cited by the submitters: PubMed 27666370; PubMed 27666374.